The following is an entry in ClinVar:

ClinVar aggregate classification (germline): Likely pathogenic (1 of 4 stars; one submission).

Conditions:
Stickler syndrome. Identifiers: Orphanet 828, MedGen C0265253, MONDO:0019354.

Submission:

Laboratory for Molecular Medicine, Mass General Brigham Personalized Medicine
Classification: Likely pathogenic for Stickler syndrome. Last evaluated: 2024-02-27. Review status: criteria provided, single submitter. Criteria: ACMG Guidelines, 2015. Collection method: clinical testing. Allele origin: germline. Inheritance: Autosomal recessive inheritance.
Comment: The p.Gly344GlufsX35 variant in COL9A1 has not been previously reported in individuals with Stickler syndrome nor in large population studies (gnomAD v3.1.2). This variant is predicted to cause a frameshift, which alters the protein’s amino acid sequence beginning at position 344 and leads to a premature termination codon 35 amino acids downstream. This alteration is then predicted to lead to a truncated or absent protein. Biallelic loss of function of the COL9A1 gene is an established disease mechanism in autosomal recessive Stickler syndrome. In summary, although additional studies are required to fully establish its clinical significance, this variant meets criteria to be classified as likely pathogenic for autosomal recessive Stickler syndrome. ACMG/AMP Criteria applied: PVS1, PM2_Supporting.

NM_001851.6(COL9A1):c.1029del (p.Gly344fs)

Gene: COL9A1 (collagen type IX alpha 1 chain; minus strand). Cytogenetic location: 6q13.
Variant type: Deletion.
Coding change: c.1029del on transcript NM_001851.6 (MANE Select); coding-DNA position 1029, one base deleted (A; older notation c.1029delA).
Protein change: p.Gly344fs; shifts the reading frame from glycine 344.
Molecular consequence: frameshift variant. On other transcripts: non-coding transcript variant (1).
Genome position (GRCh38, 1-based): chr6:70,274,719, T deleted on the plus strand (A on the coding strand, the reverse complement: COL9A1 is on the minus strand); the first of 5 consecutive T bases (chr6:70,274,719-70,274,723); deleting any one gives the same sequence. VCF-style (leftmost placement, unchanged base first): chr6-70274718-CT-C. GRCh37 (hg19) VCF-style: chr6-70984421-CT-C.
Other names: c.300del, p.Gly101fs (NM_001377289.1, NM_001377290.1, NM_078485.4); short protein forms G101fs, G344fs.
Identifiers: ClinVar variation 3075984 (VCV003075984.1), dbSNP rs2483425306, ClinGen allele CA2825001495.